The following is an entry in ClinVar:

NM_024529.5(CDC73):c.271C>T (p.Arg91Ter)

Gene: CDC73 (cell division cycle 73; plus strand). Cytogenetic location: 1q31.2.
Variant type: single nucleotide variant.
Coding change: c.271C>T on transcript NM_024529.5 (MANE Select); coding-DNA position 271, C replaced by T.
Protein change: p.Arg91Ter; replaces arginine 91 with a stop codon.
Molecular consequence: nonsense.
Genome position (GRCh38, 1-based): chr1:193,130,207, C>T. VCF-style: chr1-193130207-C-T. GRCh37 (hg19) VCF-style: chr1-193099337-C-T.
Other names: short protein forms R91*.
Identifiers: ClinVar variation 846304 (VCV000846304.17), dbSNP rs1558280170, ClinGen allele CA343973341.

ClinVar aggregate classification (germline): Pathogenic. Review status: criteria provided, multiple submitters, no conflicts (2 of 4 stars). 5 submissions from 5 submitters: Pathogenic (5). Last evaluated 2025-02-25.

Conditions:
Hyperparathyroidism 1 (HRPT1). Also called: HYPERPARATHYROIDISM, FAMILIAL ISOLATED PRIMARY. Identifiers: Orphanet 99879, MedGen C1840402, MONDO:0007767, OMIM 145000.
Parathyroid carcinoma (PRTC). Also called: Parathyroid gland carcinoma; CDC73-Related Parathyroid Carcinoma. Identifiers: Orphanet 143, MedGen C0687150, MONDO:0012004, OMIM 608266, HP:0006780.
Hyperparathyroidism 2 with jaw tumors. Also called: Hyperparathyroidism-Jaw Tumor Syndrome; Hyperparathyroidism 2; HYPERPARATHYROIDISM, FAMILIAL PRIMARY, WITH MULTIPLE OSSIFYING JAW FIBROMAS; HYPERPARATHYROIDISM-JAW TUMOR SYNDROME, HEREDITARY. Identifiers: Orphanet 99880, MedGen C1704981, MONDO:0007768, OMIM 145001.
Familial cancer of breast. Also called: hereditary breast carcinoma; BREAST CANCER, FAMILIAL; Hereditary breast cancer. Identifiers: Orphanet 227535, MedGen C0346153, MONDO:0016419, OMIM 114480. Disease mechanism: loss of function.
Hereditary cancer-predisposing syndrome. Also called: Neoplastic Syndromes, Hereditary; Hereditary neoplastic syndrome; Tumor predisposition; Hereditary Cancer Syndrome. Identifiers: Orphanet 140162, MedGen C0027672, MeSH D009386, MONDO:0015356.

gnomAD v4.1: 1 of 1,604,690 alleles (0.000062%); highest among the groups gnomAD compares: Non-Finnish European, 0.000085%; no homozygotes.

Submissions (5):

Labcorp Genetics (formerly Invitae), Labcorp
Classification: Pathogenic for Parathyroid carcinoma. Last evaluated: 2025-02-25. Review status: criteria provided, single submitter. Criteria: Invitae Variant Classification Sherloc (09022015). Collection method: clinical testing. Allele origin: germline.
Comment: This sequence change creates a premature translational stop signal (p.Arg91*) in the CDC73 gene. It is expected to result in an absent or disrupted protein product. Loss-of-function variants in CDC73 are known to be pathogenic (PMID: 12434154). This variant is not present in population databases (gnomAD no frequency). This premature translational stop signal has been observed in individual(s) with hyperparathyroidism-jaw tumor syndrome (HPT-JT) or clinial features of HPT-JT (PMID: 22187299, 23293331, 25959515). ClinVar contains an entry for this variant (Variation ID: 846304). For these reasons, this variant has been classified as Pathogenic.

Ambry Genetics
Classification: Pathogenic for Hereditary cancer-predisposing syndrome. Last evaluated: 2025-02-17. Review status: criteria provided, single submitter. Criteria: Ambry Variant Classification Scheme 2023. Collection method: clinical testing. Allele origin: germline.
Comment: The p.R91* pathogenic mutation (also known as c.271C>T), located in coding exon 3 of the CDC73 gene, results from a C to T substitution at nucleotide position 271. This changes the amino acid from an arginine to a stop codon within coding exon 3. This variant was reported in individual(s) with features consistent with CDC73-related disorders (Starker LF et al. Horm Cancer, 2012 Apr;3:44-51; Bricaire L et al. J Clin Endocrinol Metab, 2013 Feb;98:E403-8; Shibata Y et al. Endocr J, 2015 May;62:627-32). This variant is considered to be rare based on population cohorts in the Genome Aggregation Database (gnomAD). In addition to the clinical data presented in the literature, this alteration is expected to result in loss of function by premature protein truncation or nonsense-mediated mRNA decay. As such, this alteration is interpreted as a disease-causing mutation.

Fulgent Genetics
Classification: Pathogenic for Hyperparathyroidism 1; Hyperparathyroidism 2 with jaw tumors; Parathyroid carcinoma. Last evaluated: 2024-03-12. Review status: criteria provided, single submitter. Criteria: ACMG Guidelines, 2015. Collection method: clinical testing. Allele origin: germline.

Department of Molecular Diagnostics, Institute of Oncology Ljubljana
Classification: Pathogenic for Familial cancer of breast. Last evaluated: 2020-04-02. Review status: criteria provided, single submitter. Criteria: ACMG Guidelines, 2015. Collection method: clinical testing. Allele origin: germline. Affected: yes.

Centre for Mendelian Genomics, University Medical Centre Ljubljana
Classification: Pathogenic for Hyperparathyroidism 1. Last evaluated: 2019-09-12. Review status: criteria provided, single submitter. Criteria: ACMG Guidelines, 2015. Collection method: clinical testing. Allele origin: unknown. Affected: yes.
Comment: This variant was classified as: Pathogenic. The following ACMG criteria were applied in classifying this variant: PVS1,PM2,PP3.

Literature cited by the submitters: PubMed 12434154 (cited by Labcorp Genetics (formerly Invitae), Labcorp); PubMed 22187299 (cited by Labcorp Genetics (formerly Invitae), Labcorp and Ambry Genetics); PubMed 23293331 (cited by Labcorp Genetics (formerly Invitae), Labcorp and Ambry Genetics); PubMed 25959515 (cited by Labcorp Genetics (formerly Invitae), Labcorp and Ambry Genetics).